The following is an entry in ClinVar:

NM_012463.4(ATP6V0A2):c.1022C>A (p.Ala341Glu)

Gene: ATP6V0A2 (ATPase H+ transporting V0 subunit a2; plus strand). Cytogenetic location: 12q24.31.
Variant type: single nucleotide variant.
Coding change: c.1022C>A on transcript NM_012463.4 (MANE Select); coding-DNA position 1022, C replaced by A.
Protein change: p.Ala341Glu; replaces alanine 341 with glutamic acid.
Molecular consequence: missense variant.
Genome position (GRCh38, 1-based): chr12:123,737,255, C>A. VCF-style: chr12-123737255-C-A. GRCh37 (hg19) VCF-style: chr12-124221802-C-A.
Other names: short protein forms A341E.
Identifiers: ClinVar variation 1425268 (VCV001425268.7), dbSNP rs1956564188, ClinGen allele CA387154570.

ClinVar aggregate classification (germline): Uncertain significance. Review status: criteria provided, multiple submitters, no conflicts (2 of 4 stars). 2 submissions from 2 submitters: Uncertain significance (2). Last evaluated 2024-07-29.

Conditions:
ALG9 congenital disorder of glycosylation (CDG1L). Also called: CONGENITAL DISORDER OF GLYCOSYLATION, TYPE Il; ALG9-CDG; CDG Il. Identifiers: Orphanet 79328, MedGen C2931006, MONDO:0012117, OMIM 608776.

Allele frequency attached by ClinVar (database versions not stated): gnomAD exomes below 0.00001; TOPMed below 0.00001.
gnomAD v4.1: 2 of 1,614,136 alleles (0.00012%); highest among the groups gnomAD compares: Non-Finnish European, 0.00017%; no homozygotes.

Submissions (2):

Blueprint Genetics
Classification: Uncertain significance. Last evaluated: 2024-07-29. Review status: criteria provided, single submitter. Criteria: ACMG Guidelines, 2015. Collection method: clinical testing. Allele origin: germline.

Labcorp Genetics (formerly Invitae), Labcorp
Classification: Uncertain significance for ALG9 congenital disorder of glycosylation. Last evaluated: 2021-11-07. Review status: criteria provided, single submitter. Criteria: Invitae Variant Classification Sherloc (09022015). Collection method: clinical testing. Allele origin: germline.
Comment: In summary, the available evidence is currently insufficient to determine the role of this variant in disease. Therefore, it has been classified as a Variant of Uncertain Significance. Algorithms developed to predict the effect of missense changes on protein structure and function are either unavailable or do not agree on the potential impact of this missense change (SIFT: "Deleterious"; PolyPhen-2: "Probably Damaging"; Align-GVGD: "Class C0"). This variant has not been reported in the literature in individuals affected with ATP6V0A2-related conditions. This variant is not present in population databases (gnomAD no frequency). This sequence change replaces alanine, which is neutral and non-polar, with glutamic acid, which is acidic and polar, at codon 341 of the ATP6V0A2 protein (p.Ala341Glu).